The following is an entry in ClinVar:

ClinVar aggregate classification (germline): Benign. Review status: reviewed by expert panel (3 of 4 stars). 7 submissions from 7 submitters: Benign (1). 6 of the submissions do not count toward it. Last evaluated 2023-01-25.

Conditions:
Arginine:glycine amidinotransferase deficiency (CCDS3). Also called: L-Arginine:Glycine Amidinotransferase Deficiency; L-Arginine:Glycine Amidinotransferase (AGAT) Deficiency; AGAT deficiency; Creatine deficiency syndrome due to AGAT deficiency; GATM deficiency; Cerebral creatine deficiency syndrome 3. Identifiers: Orphanet 35704, MedGen C2675179, MONDO:0012996, OMIM 612718.

Allele frequency attached by ClinVar (database versions not stated): 1000 Genomes Project 0.00020; ExAC 0.00038; TOPMed 0.00086; 1000 Genomes Project 30x 0.00031; gnomAD exomes 0.00061 and 0.00140; gnomAD 0.00101 and 0.00095.
gnomAD v4.1: 2,007 of 1,515,796 alleles (0.13%); highest among the groups gnomAD compares: Non-Finnish European, 0.17%; 4 homozygotes.

Submissions (7):

ClinGen Cerebral Creatine Deficiency Syndromes Variant Curation Expert Panel, ClinGen
Classification: Benign for Arginine:glycine amidinotransferase deficiency. Last evaluated: 2023-01-25. Review status: reviewed by expert panel. Criteria: ClinGen_CCDS_ACMG_Specifications_GATM_v1.1. Collection method: curation. Allele origin: germline. Inheritance: Autosomal recessive inheritance.
Comment: The NM_001482.3:c.69+13C>T variant in GATM is an intronic variant located in intron 8. The highest population minor allele frequency in gnomAD v2.1.1 is 0.00151 (88/58242 alleles) in the non-Finnish European population, which is higher than the ClinGen CCDS VCEP’s threshold for BA1 (>0.0005), and therefore meets this criterion (BA1). The computational splicing predictor SpliceAI gives a score of 0.0 for donor and acceptor loss suggesting that the variant has no impact on splicing (BP4). There is a ClinVar entry for this variant (Variation ID: 137454). In summary, this variant meets the criteria to be classified as benign for AGAT deficiency based on the ACMG/AMP criteria applied, as specified by the ClinGen Cerebral Creatine Deficiency Syndromes Variant Curation Expert Panel (Specifications Version 1.1.0): BA1, BP4. (Classification approved by the ClinGen CCDS VCEP on January 25, 2023).

Labcorp Genetics (formerly Invitae), Labcorp
Classification: Likely benign for Arginine:glycine amidinotransferase deficiency. Last evaluated: 2026-01-31. Review status: criteria provided, single submitter. Criteria: Invitae Variant Classification Sherloc (09022015). Collection method: clinical testing. Allele origin: germline. Not counted in ClinVar's aggregate classification.

ARUP Laboratories, Molecular Genetics and Genomics, ARUP Laboratories
Classification: Benign. Last evaluated: 2025-04-16. Review status: criteria provided, single submitter. Criteria: ARUP Molecular Germline Variant Investigation Process 2024. Collection method: clinical testing. Allele origin: germline. Not counted in ClinVar's aggregate classification.

Illumina Laboratory Services, Illumina
Classification: Uncertain significance for Arginine:glycine amidinotransferase deficiency. Last evaluated: 2018-01-12. Review status: criteria provided, single submitter. Criteria: ICSL Variant Classification Criteria 13 December 2019. Collection method: clinical testing. Allele origin: germline. Not counted in ClinVar's aggregate classification.

GeneDx
Classification: Benign. Last evaluated: 2013-06-21. Review status: criteria provided, single submitter. Criteria: GeneDx Variant Classification (06012015). Collection method: clinical testing. Allele origin: germline. Affected: yes. Not counted in ClinVar's aggregate classification.
Comment: This variant is considered likely benign or benign based on one or more of the following criteria: it is a conservative change, it occurs at a poorly conserved position in the protein, it is predicted to be benign by multiple in silico algorithms, and/or has population frequency not consistent with disease.

Clinical Genetics, Academic Medical Center
Classification: Likely benign. Review status: no assertion criteria provided. Collection method: clinical testing. Allele origin: germline. Affected: yes. Study: VKGL Data-share Consensus. Not counted in ClinVar's aggregate classification.

Diagnostic Laboratory, Department of Genetics, University Medical Center Groningen
Classification: Likely benign for Arginine:glycine amidinotransferase deficiency. Review status: no assertion criteria provided. Collection method: clinical testing. Allele origin: germline. Affected: yes. Study: VKGL Data-share Consensus. Not counted in ClinVar's aggregate classification.

NM_001482.3(GATM):c.69+13C>T

Genes: GATM (glycine amidinotransferase; minus strand), LOC130056991 (ATAC-STARR-seq lymphoblastoid silent region 6406; plus strand). Cytogenetic location: 15q21.1.
Variant type: single nucleotide variant.
Coding change: c.69+13C>T on transcript NM_001482.3 (MANE Select); 13 bases into the intron after coding-DNA position 69, C replaced by T.
Molecular consequence: intron variant.
Genome position (GRCh38, 1-based): chr15:45,378,372, G>A on the plus strand (C>T on the coding strand, the complement: GATM is on the minus strand). VCF-style: chr15-45378372-G-A. GRCh37 (hg19) VCF-style: chr15-45670570-G-A.
Other names: c.-318-1553C>T (NM_001321015.2).
Identifiers: ClinVar variation 137454 (VCV000137454.15), dbSNP rs573273215, ClinGen allele CA291046.